The following is an entry in ClinVar:

ClinVar aggregate classification (germline): Likely benign. Review status: criteria provided, single submitter (1 of 4 stars). 2 submissions from 2 submitters: Likely benign (1). 1 of the submissions does not count toward it. Last evaluated 2023-02-01.

Conditions:
TSHZ3-related disorder. Also called: TSHZ3-related condition.

Allele frequency attached by ClinVar (database versions not stated): ESP Exome Variant Server 0.00115; 1000 Genomes Project 30x 0.00203; 1000 Genomes Project 0.00260; gnomAD 0.00486; ExAC 0.00511.
gnomAD v4.1: 5,168 of 1,614,174 alleles (0.32%); highest among the groups gnomAD compares: South Asian, 0.87%; 78 homozygotes.

Submissions (2):

CeGaT Center for Human Genetics Tuebingen
Classification: Likely benign. Last evaluated: 2023-02-01. Review status: criteria provided, single submitter. Criteria: CeGaT Center For Human Genetics Tuebingen Variant Classification Criteria Version 2. Collection method: clinical testing. Allele origin: germline. Affected: yes. Observed: 1 variant allele.
Comment: TSHZ3: BP4, BS2

PreventionGenetics, part of Exact Sciences
Classification: Benign for TSHZ3-related condition. Last evaluated: 2021-08-20. Review status: no assertion criteria provided. Collection method: clinical testing. Allele origin: germline. Not counted in ClinVar's aggregate classification.
Comment: This variant is classified as benign based on ACMG/AMP sequence variant interpretation guidelines (Richards et al. 2015 PMID: 25741868, with internal and published modifications).

NM_020856.4(TSHZ3):c.2577G>A (p.Thr859=)

Gene: TSHZ3 (teashirt zinc finger homeobox 3; minus strand). Cytogenetic location: 19q12.
Variant type: single nucleotide variant.
Coding change: c.2577G>A on transcript NM_020856.4 (MANE Select); coding-DNA position 2577, G replaced by A.
Protein change: p.Thr859=; no amino-acid change (threonine 859 retained).
Molecular consequence: synonymous variant.
Genome position (GRCh38, 1-based): chr19:31,277,216, C>T on the plus strand (G>A on the coding strand, the complement: TSHZ3 is on the minus strand). VCF-style: chr19-31277216-C-T. GRCh37 (hg19) VCF-style: chr19-31768122-C-T.
Other names: c.2577G>A (NM_020856.3).
Identifiers: ClinVar variation 2649677 (VCV002649677.25), dbSNP rs147790864, ClinGen allele CA9354021.